The following is an entry in ClinVar:

NM_000384.3(APOB):c.1235C>G (p.Thr412Ser)

Gene: APOB (apolipoprotein B; minus strand). Cytogenetic location: 2p24.1.
Variant type: single nucleotide variant.
Coding change: c.1235C>G on transcript NM_000384.3 (MANE Select); coding-DNA position 1235, C replaced by G.
Protein change: p.Thr412Ser; replaces threonine 412 with serine.
Molecular consequence: missense variant.
Genome position (GRCh38, 1-based): chr2:21,032,471, G>C on the plus strand (C>G on the coding strand, the complement: APOB is on the minus strand). VCF-style: chr2-21032471-G-C. GRCh37 (hg19) VCF-style: chr2-21255343-G-C.
Other names: short protein forms T412S.
Identifiers: ClinVar variation 4755995 (VCV004755995.3).
Genomic context (GRCh38, chr2:21,032,471, plus strand): 5'-ATGTTGAAGATCTCTCGCAGCTGCTGTGCTGAGGGCTCGGGGATCAGGGCCACCAGGTAG[G>C]TGACCACATCTATCAGAAGGGGGTTGGCATGCACACGTTTCAGCCACTGGAGGATGTGAG-3'
Protein context (NP_000375.3, residues 402-422): HANPLLIDVV[Thr412Ser]YLVALIPEPS

ClinVar aggregate classification (germline): Conflicting classifications of pathogenicity. Review status: criteria provided, conflicting classifications (1 of 4 stars). 3 submissions from 3 submitters: Uncertain significance (2); Likely benign (1). Last evaluated 2026-08-04.

Conditions:
Familial hypobetalipoproteinemia 1. Also called: Hypobetalipoproteinemia, normotriglyceridemic; Acanthocytosis with hypobetalipoproteinemia; APOB-Related Familial Hypobetalipoproteinemia. Identifiers: MedGen C4551990, MONDO:0014252, OMIM 615558.
Hypercholesterolemia, autosomal dominant, type B (FHCL2). Also called: Familial Hypercholesterolemia Type B; APOLIPOPROTEIN B-100, FAMILIAL DEFECTIVE; APOLIPOPROTEIN B-100, FAMILIAL LIGAND-DEFECTIVE; HYPERCHOLESTEROLEMIA, FAMILIAL, DUE TO LIGAND-DEFECTIVE APOLIPOPROTEIN B; Hyperlipoproteinemia Type IIb; Familial hypercholesterolemia 2. Identifiers: MedGen C1704417, MONDO:0007751, OMIM 144010.
Cardiovascular phenotype. Identifiers: MedGen CN230736.

gnomAD v4.1: 7 of 1,614,076 alleles (0.00043%); highest among the groups gnomAD compares: South Asian, 0.0055%; no homozygotes.

Submissions (3):

Ambry Genetics
Classification: Uncertain significance for Cardiovascular phenotype. Last evaluated: 2026-08-04. Review status: criteria provided, single submitter. Criteria: Ambry Variant Classification Scheme 2023. Collection method: clinical testing. Allele origin: germline.
Comment: The p.T412S variant (also known as c.1235C>G), located in coding exon 10 of the APOB gene, results from a C to G substitution at nucleotide position 1235. The threonine at codon 412 is replaced by serine, an amino acid with similar properties. This amino acid position is not well conserved in available vertebrate species. In addition, the in silico prediction for this alteration is inconclusive. Based on the available evidence, the clinical significance of this variant remains unclear.

Labcorp Genetics (formerly Invitae), Labcorp
Classification: Likely benign for Familial hypobetalipoproteinemia 1; Hypercholesterolemia, autosomal dominant, type B. Last evaluated: 2025-11-09. Review status: criteria provided, single submitter. Criteria: Invitae Variant Classification Sherloc (09022015). Collection method: clinical testing. Allele origin: germline.

GeneDx
Classification: Uncertain significance. Last evaluated: 2025-08-08. Review status: criteria provided, single submitter. Criteria: GeneDx Variant Classification Process June 2021. Collection method: clinical testing. Allele origin: germline. Affected: yes.
Comment: Not observed at significant frequency in large population cohorts (gnomAD); In silico analysis supports that this missense variant has a deleterious effect on protein structure/function; Has not been previously published as pathogenic or benign to our knowledge